The following is an entry in ClinVar:

ClinVar aggregate classification (germline): Benign. Review status: criteria provided, multiple submitters, no conflicts (2 of 4 stars). 2 submissions from 2 submitters: Benign (2). Last evaluated 2018-06-16.

Allele frequency attached by ClinVar (database versions not stated): ExAC 0.01405; ESP Exome Variant Server 0.04881; TOPMed 0.05158; 1000 Genomes Project 0.05252; 1000 Genomes Project 30x 0.05793.
gnomAD v4.1: 13,795 of 1,611,398 alleles (0.86%); highest among the groups gnomAD compares: African/African-American, 16%; 1,031 homozygotes.

Submissions (28):

GeneDx
Classification: Benign. Last evaluated: 2018-06-16. Review status: criteria provided, single submitter. Criteria: GeneDx Variant Classification (06012015). Collection method: clinical testing. Allele origin: germline. Affected: yes.
Comment: This variant is considered likely benign or benign based on one or more of the following criteria: it is a conservative change, it occurs at a poorly conserved position in the protein, it is predicted to be benign by multiple in silico algorithms, and/or has population frequency not consistent with disease.

Breakthrough Genomics
Classification: Benign. Review status: criteria provided, single submitter. Criteria: ACMG Guidelines, 2015. Collection method: not provided. Allele origin: germline. Inheritance: Autosomal recessive inheritance. Affected: yes.

Dr. Peter K. Rogan Lab, Western University
No classification provided (evidence only). Condition: Lung cancer. Review status: no classification provided. Collection method: in vitro. Allele origin: not applicable. Functional consequence: retained intron. Not counted in ClinVar's aggregate classification.

Dr. Peter K. Rogan Lab, Western University
No classification provided (evidence only). Condition: Lung cancer. Review status: no classification provided. Collection method: in vitro. Allele origin: not applicable. Functional consequence: retained intron. Not counted in ClinVar's aggregate classification.

Dr. Peter K. Rogan Lab, Western University
No classification provided (evidence only). Condition: Acute myeloid leukemia. Review status: no classification provided. Collection method: in vitro. Allele origin: not applicable. Functional consequence: retained intron. Not counted in ClinVar's aggregate classification.

Dr. Peter K. Rogan Lab, Western University
No classification provided (evidence only). Condition: Acute myeloid leukemia. Review status: no classification provided. Collection method: in vitro. Allele origin: not applicable. Functional consequence: retained intron. Not counted in ClinVar's aggregate classification.

Dr. Peter K. Rogan Lab, Western University
No classification provided (evidence only). Condition: Acute myeloid leukemia. Review status: no classification provided. Collection method: in vitro. Allele origin: not applicable. Functional consequence: retained intron. Not counted in ClinVar's aggregate classification.

Dr. Peter K. Rogan Lab, Western University
No classification provided (evidence only). Condition: Acute myeloid leukemia. Review status: no classification provided. Collection method: in vitro. Allele origin: not applicable. Functional consequence: retained intron. Not counted in ClinVar's aggregate classification.

Dr. Peter K. Rogan Lab, Western University
No classification provided (evidence only). Condition: Cervical cancer. Review status: no classification provided. Collection method: in vitro. Allele origin: not applicable. Functional consequence: retained intron. Not counted in ClinVar's aggregate classification.

Dr. Peter K. Rogan Lab, Western University
No classification provided (evidence only). Condition: Cervical cancer. Review status: no classification provided. Collection method: in vitro. Allele origin: not applicable. Functional consequence: retained intron. Not counted in ClinVar's aggregate classification.

Dr. Peter K. Rogan Lab, Western University
No classification provided (evidence only). Condition: Cervical cancer. Review status: no classification provided. Collection method: in vitro. Allele origin: not applicable. Functional consequence: retained intron. Not counted in ClinVar's aggregate classification.

Dr. Peter K. Rogan Lab, Western University
No classification provided (evidence only). Condition: Cervical cancer. Review status: no classification provided. Collection method: in vitro. Allele origin: not applicable. Functional consequence: retained intron. Not counted in ClinVar's aggregate classification.

Dr. Peter K. Rogan Lab, Western University
No classification provided (evidence only). Condition: Cervical cancer. Review status: no classification provided. Collection method: in vitro. Allele origin: not applicable. Functional consequence: retained intron. Not counted in ClinVar's aggregate classification.

Dr. Peter K. Rogan Lab, Western University
No classification provided (evidence only). Condition: Cervical cancer. Review status: no classification provided. Collection method: in vitro. Allele origin: not applicable. Functional consequence: skipped exon. Not counted in ClinVar's aggregate classification.

Dr. Peter K. Rogan Lab, Western University
No classification provided (evidence only). Condition: Cervical cancer. Review status: no classification provided. Collection method: in vitro. Allele origin: not applicable. Functional consequence: retained intron. Not counted in ClinVar's aggregate classification.

Dr. Peter K. Rogan Lab, Western University
No classification provided (evidence only). Condition: Cervical cancer. Review status: no classification provided. Collection method: in vitro. Allele origin: not applicable. Functional consequence: retained intron. Not counted in ClinVar's aggregate classification.

Dr. Peter K. Rogan Lab, Western University
No classification provided (evidence only). Condition: Cervical cancer. Review status: no classification provided. Collection method: in vitro. Allele origin: not applicable. Functional consequence: retained intron. Not counted in ClinVar's aggregate classification.

Dr. Peter K. Rogan Lab, Western University
No classification provided (evidence only). Condition: Thymoma. Review status: no classification provided. Collection method: in vitro. Allele origin: not applicable. Functional consequence: retained intron. Not counted in ClinVar's aggregate classification.

Dr. Peter K. Rogan Lab, Western University
No classification provided (evidence only). Condition: Thymoma. Review status: no classification provided. Collection method: in vitro. Allele origin: not applicable. Functional consequence: retained intron. Not counted in ClinVar's aggregate classification.

Dr. Peter K. Rogan Lab, Western University
No classification provided (evidence only). Condition: Thymoma. Review status: no classification provided. Collection method: in vitro. Allele origin: not applicable. Functional consequence: retained intron. Not counted in ClinVar's aggregate classification.

Dr. Peter K. Rogan Lab, Western University
No classification provided (evidence only). Condition: Thymoma. Review status: no classification provided. Collection method: in vitro. Allele origin: not applicable. Functional consequence: retained intron. Not counted in ClinVar's aggregate classification.

Dr. Peter K. Rogan Lab, Western University
No classification provided (evidence only). Condition: Cholangiocarcinoma. Review status: no classification provided. Collection method: in vitro. Allele origin: not applicable. Functional consequence: retained intron. Not counted in ClinVar's aggregate classification.

Dr. Peter K. Rogan Lab, Western University
No classification provided (evidence only). Condition: Ovarian serous cystadenocarcinoma. Review status: no classification provided. Collection method: in vitro. Allele origin: not applicable. Functional consequence: retained intron. Not counted in ClinVar's aggregate classification.

Dr. Peter K. Rogan Lab, Western University
No classification provided (evidence only). Condition: Ovarian serous cystadenocarcinoma. Review status: no classification provided. Collection method: in vitro. Allele origin: not applicable. Functional consequence: retained intron. Not counted in ClinVar's aggregate classification.

Dr. Peter K. Rogan Lab, Western University
No classification provided (evidence only). Condition: Ovarian serous cystadenocarcinoma. Review status: no classification provided. Collection method: in vitro. Allele origin: not applicable. Functional consequence: retained intron. Not counted in ClinVar's aggregate classification.

Dr. Peter K. Rogan Lab, Western University
No classification provided (evidence only). Condition: Uterine carcinosarcoma. Review status: no classification provided. Collection method: in vitro. Allele origin: not applicable. Functional consequence: retained intron. Not counted in ClinVar's aggregate classification.

Dr. Peter K. Rogan Lab, Western University
No classification provided (evidence only). Condition: Uterine carcinosarcoma. Review status: no classification provided. Collection method: in vitro. Allele origin: not applicable. Functional consequence: retained intron. Not counted in ClinVar's aggregate classification.

Dr. Peter K. Rogan Lab, Western University
No classification provided (evidence only). Condition: Malignant tumor of esophagus. Review status: no classification provided. Collection method: in vitro. Allele origin: not applicable. Functional consequence: retained intron. Not counted in ClinVar's aggregate classification.

NM_007103.4(NDUFV1):c.913+29G>T

Gene: NDUFV1 (NADH:ubiquinone oxidoreductase core subunit V1; plus strand). Cytogenetic location: 11q13.2.
Variant type: single nucleotide variant.
Coding change: c.913+29G>T on transcript NM_007103.4 (MANE Select); 29 bases into the intron after coding-DNA position 913, G replaced by T.
Molecular consequence: intron variant.
Genome position (GRCh38, 1-based): chr11:67,611,236, G>T. VCF-style: chr11-67611236-G-T. GRCh37 (hg19) VCF-style: chr11-67378707-G-T.
Other names: NC_000011.9:g.67378707G>T; c.886+29G>T (NM_001166102.2).
Identifiers: ClinVar variation 675483 (VCV000675483.3), dbSNP rs11227858, ClinGen allele CA6143319.